The following is an entry in ClinVar:

ClinVar aggregate classification (germline): Uncertain significance (1 of 4 stars; one submission).

Conditions:
Primary ciliary dyskinesia. Also called: Ciliary dyskinesia. Identifiers: Orphanet 244, MedGen C0008780, MONDO:0016575, HP:0012265.

Allele frequency attached by ClinVar (database versions not stated): ExAC 0.00001.
gnomAD v4.1: 1 of 1,612,322 alleles (0.000062%); no homozygotes.

Submission:

Labcorp Genetics (formerly Invitae), Labcorp
Classification: Uncertain significance for Primary ciliary dyskinesia. Last evaluated: 2022-08-21. Review status: criteria provided, single submitter. Criteria: Invitae Variant Classification Sherloc (09022015). Collection method: clinical testing. Allele origin: germline.
Comment: In summary, the available evidence is currently insufficient to determine the role of this variant in disease. Therefore, it has been classified as a Variant of Uncertain Significance. Algorithms developed to predict the effect of missense changes on protein structure and function are either unavailable or do not agree on the potential impact of this missense change (SIFT: "Deleterious"; PolyPhen-2: "Not Available"; Align-GVGD: "Class C0"). This variant has not been reported in the literature in individuals affected with DNAH8-related conditions. This variant is present in population databases (rs762402382, gnomAD 0.003%). This sequence change replaces asparagine, which is neutral and polar, with serine, which is neutral and polar, at codon 3952 of the DNAH8 protein (p.Asn3952Ser).

NM_001206927.2(DNAH8):c.11855A>G (p.Asn3952Ser)

Genes: DNAH8 (dynein axonemal heavy chain 8; plus strand), DNAH8-AS1 (DNAH8 antisense RNA 1; minus strand). Cytogenetic location: 6p21.2.
Variant type: single nucleotide variant.
Coding change: c.11855A>G on transcript NM_001206927.2 (MANE Select); coding-DNA position 11855, A replaced by G.
Protein change: p.Asn3952Ser; replaces asparagine 3952 with serine.
Molecular consequence: missense variant.
Genome position (GRCh38, 1-based): chr6:38,938,836, A>G. VCF-style: chr6-38938836-A-G. GRCh37 (hg19) VCF-style: chr6-38906612-A-G.
Other names: c.11204A>G, p.Asn3735Ser (NM_001371.4); short protein forms N3735S, N3952S.
Identifiers: ClinVar variation 1717457 (VCV001717457.6), dbSNP rs762402382, ClinGen allele CA3791204.